The following is an entry in ClinVar:

NM_007325.5(GRIA3):c.527C>G (p.Ala176Gly)

Gene: GRIA3 (glutamate ionotropic receptor AMPA type subunit 3; plus strand). Cytogenetic location: Xq25.
Variant type: single nucleotide variant.
Coding change: c.527C>G on transcript NM_007325.5 (MANE Select); coding-DNA position 527, C replaced by G.
Protein change: p.Ala176Gly; replaces alanine 176 with glycine.
Molecular consequence: missense variant.
Genome position (GRCh38, 1-based): chrX:123,326,044, C>G. VCF-style: chrX-123326044-C-G. GRCh37 (hg19) VCF-style: chrX-122459895-C-G.
Other names: c.527C>G, p.Ala176Gly (NM_000828.5); short protein forms A176G.
Identifiers: ClinVar variation 2535002 (VCV002535002.4), dbSNP rs764670975, ClinGen allele CA414261049.
Genomic context (GRCh38, chrX:123,326,044, plus strand): 5'-GAAAGATTTTTAAATCATTGAAGCTGTTTTTCCTTCCTTCAGGATTTTCCATCCTCCAAG[C>G]GATTATGGAAGCAGCAGTGCAAAACAACTGGCAAGTAACAGCAAGGTCTGTGGGAAACAT-3'
Protein context (NP_015564.5, residues 166-186): DTERGFSILQ[Ala176Gly]IMEAAVQNNW

ClinVar aggregate classification (germline): Uncertain significance. Review status: criteria provided, multiple submitters, no conflicts (2 of 4 stars). 2 submissions from 2 submitters: Uncertain significance (2). Last evaluated 2025-08-30.

Conditions:
Inborn genetic diseases. Identifiers: MedGen C0950123, MeSH D030342.

gnomAD v4.1: 2 of 1,206,421 alleles (0.00017%); highest among the groups gnomAD compares: Non-Finnish European, 0.00022%; no homozygotes.

Submissions (2):

Labcorp Genetics (formerly Invitae), Labcorp
Classification: Uncertain significance. Last evaluated: 2025-08-30. Review status: criteria provided, single submitter. Criteria: Invitae Variant Classification Sherloc (09022015). Collection method: clinical testing. Allele origin: germline.
Comment: This sequence change replaces alanine, which is neutral and non-polar, with glycine, which is neutral and non-polar, at codon 176 of the GRIA3 protein (p.Ala176Gly). This variant is not present in population databases (gnomAD no frequency). This variant has not been reported in the literature in individuals affected with GRIA3-related conditions. ClinVar contains an entry for this variant (Variation ID: 2535002). Invitae Evidence Modeling of protein sequence and biophysical properties (such as structural, functional, and spatial information, amino acid conservation, physicochemical variation, residue mobility, and thermodynamic stability) indicates that this missense variant is not expected to disrupt GRIA3 protein function with a negative predictive value of 80%. In summary, the available evidence is currently insufficient to determine the role of this variant in disease. Therefore, it has been classified as a Variant of Uncertain Significance.

Ambry Genetics
Classification: Uncertain significance for Inborn genetic diseases. Last evaluated: 2023-04-07. Review status: criteria provided, single submitter. Criteria: Ambry Variant Classification Scheme 2023. Collection method: clinical testing. Allele origin: germline.